The following is an entry in ClinVar:

NM_017534.6(MYH2):c.2987C>T (p.Ala996Val)

Genes: MYH2 (myosin heavy chain 2; minus strand), MYHAS (myosin heavy chain gene cluster antisense RNA; plus strand). Cytogenetic location: 17p13.1.
Variant type: single nucleotide variant.
Coding change: c.2987C>T on transcript NM_017534.6 (MANE Select); coding-DNA position 2987, C replaced by T.
Protein change: p.Ala996Val; replaces alanine 996 with valine.
Molecular consequence: missense variant.
Genome position (GRCh38, 1-based): chr17:10,529,694, G>A on the plus strand (C>T on the coding strand, the complement: MYH2 is on the minus strand). VCF-style: chr17-10529694-G-A. GRCh37 (hg19) VCF-style: chr17-10433011-G-A.
Other names: c.2987C>T, p.Ala996Val (NM_001100112.2); short protein forms A996V.
Identifiers: ClinVar variation 1377173 (VCV001377173.6), dbSNP rs201793838, ClinGen allele CA287739113.
Genomic context (GRCh38, chr17:10,529,694, plus strand): 5'-AGGTCATCCAGGGTCTGCTGGTGGGCCTCCTGGAGAGCCTTCTTCTCCTTGGTCAGCTTA[G>A]CAATGGTTTCATCCAGACCTGCCATCTCTTCTGTGAGGTTTTTCACCTACAAAGGTGAAG-3'
Protein context (NP_060004.3, residues 986-1006): EEMAGLDETI[Ala996Val]KLTKEKKALQ

ClinVar aggregate classification (germline): Uncertain significance (1 of 4 stars; one submission).

Conditions:
Myopathy, proximal, and ophthalmoplegia (CMYO6). Also called: MYOPATHY WITH CONGENITAL JOINT CONTRACTURES, OPHTHALMOPLEGIA, AND RIMMED VACUOLES; CONGENITAL MYOPATHY 6 WITH OPHTHALMOPLEGIA; INCLUSION BODY MYOPATHY 3, AUTOSOMAL DOMINANT. Identifiers: Orphanet 363677, Orphanet 79091, MedGen C1854106, MONDO:0011577, OMIM 605637.

Allele frequency attached by ClinVar (database versions not stated): gnomAD exomes below 0.00001; TOPMed below 0.00001; gnomAD 0.00001.
gnomAD v4.1: 5 of 1,613,774 alleles (0.00031%); highest among the groups gnomAD compares: Non-Finnish European, 0.00042%; no homozygotes.

Submission:

Labcorp Genetics (formerly Invitae), Labcorp
Classification: Uncertain significance for Myopathy, proximal, and ophthalmoplegia. Last evaluated: 2023-10-13. Review status: criteria provided, single submitter. Criteria: Invitae Variant Classification Sherloc (09022015). Collection method: clinical testing. Allele origin: germline.
Comment: This sequence change replaces alanine, which is neutral and non-polar, with valine, which is neutral and non-polar, at codon 996 of the MYH2 protein (p.Ala996Val). This variant is present in population databases (rs201793838, gnomAD 0.0009%). This variant has not been reported in the literature in individuals affected with MYH2-related conditions. ClinVar contains an entry for this variant (Variation ID: 1377173). Advanced modeling of protein sequence and biophysical properties (such as structural, functional, and spatial information, amino acid conservation, physicochemical variation, residue mobility, and thermodynamic stability) performed at Invitae indicates that this missense variant is not expected to disrupt MYH2 protein function. In summary, the available evidence is currently insufficient to determine the role of this variant in disease. Therefore, it has been classified as a Variant of Uncertain Significance.